The following is an entry in ClinVar:

ClinVar aggregate classification (germline): Uncertain significance. Review status: criteria provided, multiple submitters, no conflicts (2 of 4 stars). 6 submissions from 6 submitters: Uncertain significance (6). Last evaluated 2025-07-11.

Conditions:
MYH11-related disorder. Also called: MYH11-related condition.
Familial thoracic aortic aneurysm and aortic dissection (TAAD). Also called: Thoracic aortic aneurysms and dissections. Identifiers: Orphanet 91387, MedGen C4707243, MONDO:0019625.
Aortic aneurysm, familial thoracic 4 (AAT4). Also called: AORTIC ANEURYSM/AORTIC DISSECTION AND PATENT DUCTUS ARTERIOSUS. Identifiers: MedGen C1851504, MONDO:0007568, OMIM 132900.

Allele frequency attached by ClinVar (database versions not stated): ExAC 0.00002; gnomAD 0.00002 and 0.00003; gnomAD exomes 0.00002; TOPMed 0.00002.
gnomAD v4.1: 36 of 1,613,862 alleles (0.0022%); highest among the groups gnomAD compares: South Asian, 0.0033%; no homozygotes.

Submissions (6):

Color Diagnostics, LLC DBA Color Health
Classification: Uncertain significance for Familial thoracic aortic aneurysm and aortic dissection. Last evaluated: 2025-07-11. Review status: criteria provided, single submitter. Criteria: ACMG Guidelines, 2015. Collection method: clinical testing. Allele origin: germline.
Comment: This missense variant replaces alanine with valine at codon 740 of the MYH11 protein. Computational prediction suggests that this variant may not impact protein structure and function. To our knowledge, functional studies have not been reported for this variant. This variant has not been reported in individuals affected with MYH11-related disorders in the literature. This variant has been identified in 5/251474 chromosomes in the general population by the Genome Aggregation Database (gnomAD). The available evidence is insufficient to determine the role of this variant in disease conclusively. Therefore, this variant is classified as a Variant of Uncertain Significance.

PreventionGenetics, part of Exact Sciences
Classification: Uncertain significance for MYH11-related condition. Last evaluated: 2025-03-28. Review status: criteria provided, single submitter. Criteria: ACMG Guidelines, 2015. Collection method: clinical testing. Allele origin: germline.
Comment: The MYH11 c.2219C>T variant is predicted to result in the amino acid substitution p.Ala740Val. To our knowledge, this variant has not been reported in the literature. This variant is reported in 0.0044% of alleles in individuals of European (Non-Finnish) descent in gnomAD. At this time, the clinical significance of this variant is uncertain due to the absence of conclusive functional and genetic evidence.

GeneDx
Classification: Uncertain significance. Last evaluated: 2024-03-05. Review status: criteria provided, single submitter. Criteria: GeneDx Variant Classification Process June 2021. Collection method: clinical testing. Allele origin: germline. Affected: yes.
Comment: Has not been previously published as pathogenic or benign to our knowledge; Not observed at significant frequency in large population cohorts (gnomAD); In silico analysis supports that this missense variant does not alter protein structure/function

All of Us Research Program, National Institutes of Health
Classification: Uncertain significance for Familial thoracic aortic aneurysm and aortic dissection. Last evaluated: 2023-10-30. Review status: criteria provided, single submitter. Criteria: ACMG Guidelines, 2015. Collection method: clinical testing. Allele origin: germline. Inheritance: Autosomal dominant inheritance. Observed: 1 variant allele, 1 heterozygote.
Comment: This missense variant replaces alanine with valine at codon 740 of the MYH11 protein. Computational prediction suggests that this variant may not impact protein structure and function (internally defined REVEL score threshold <= 0.5, PMID: 27666373). Splice site prediction tools suggest that this variant may not impact RNA splicing. To our knowledge, functional studies have not been performed for this variant. This variant has not been reported in individuals affected with cardiovascular disorders in the literature. This variant has been identified in 5/251474 chromosomes in the general population by the Genome Aggregation Database (gnomAD). The available evidence is insufficient to determine the role of this variant in disease conclusively. Therefore, this variant is classified as a Variant of Uncertain Significance.

This study involves interpretation of variants in research participants for the purpose of population health screening. Participant phenotype was not available at the time of variant classification. Additional details can be found in publication PMID: 35346344, PMCID: PMC8962531

Labcorp Genetics (formerly Invitae), Labcorp
Classification: Uncertain significance for Aortic aneurysm, familial thoracic 4. Last evaluated: 2022-03-14. Review status: criteria provided, single submitter. Criteria: Invitae Variant Classification Sherloc (09022015). Collection method: clinical testing. Allele origin: germline.
Comment: This sequence change replaces alanine, which is neutral and non-polar, with valine, which is neutral and non-polar, at codon 740 of the MYH11 protein (p.Ala740Val). This variant is present in population databases (rs776356937, gnomAD 0.004%). This variant has not been reported in the literature in individuals affected with MYH11-related conditions. ClinVar contains an entry for this variant (Variation ID: 465713). Algorithms developed to predict the effect of missense changes on protein structure and function are either unavailable or do not agree on the potential impact of this missense change (SIFT: "Deleterious"; PolyPhen-2: "Benign"; Align-GVGD: "Class C55"). Algorithms developed to predict the effect of sequence changes on RNA splicing suggest that this variant may create or strengthen a splice site. In summary, the available evidence is currently insufficient to determine the role of this variant in disease. Therefore, it has been classified as a Variant of Uncertain Significance.

Ambry Genetics
Classification: Uncertain significance for Familial thoracic aortic aneurysm and aortic dissection. Last evaluated: 2020-01-30. Review status: criteria provided, single submitter. Criteria: Ambry Variant Classification Scheme 2023. Collection method: clinical testing. Allele origin: germline.
Comment: The p.A733V variant (also known as c.2198C>T), located in coding exon 17 of the MYH11 gene, results from a C to T substitution at nucleotide position 2198. The alanine at codon 733 is replaced by valine, an amino acid with similar properties. This amino acid position is well conserved in available vertebrate species. In addition, the in silico prediction for this alteration is inconclusive. Since supporting evidence is limited at this time, the clinical significance of this alteration remains unclear.

NM_002474.3(MYH11):c.2198C>T (p.Ala733Val)

Gene: MYH11 (myosin heavy chain 11; minus strand). Cytogenetic location: 16p13.11.
Variant type: single nucleotide variant.
Coding change: c.2198C>T on transcript NM_002474.3 (MANE Select); coding-DNA position 2198, C replaced by T.
Protein change: p.Ala733Val; replaces alanine 733 with valine.
Molecular consequence: missense variant.
Genome position (GRCh38, 1-based): chr16:15,747,926, G>A on the plus strand (C>T on the coding strand, the complement: MYH11 is on the minus strand). VCF-style: chr16-15747926-G-A. GRCh37 (hg19) VCF-style: chr16-15841783-G-A.
Other names: c.2219C>T, p.Ala740Val (NM_001040113.2, NM_001040114.2); c.2198C>T, p.Ala733Val (NM_022844.3); short protein forms A740V, A733V.
Identifiers: ClinVar variation 465713 (VCV000465713.19), dbSNP rs776356937, ClinGen allele CA7922352.